The following is an entry in ClinVar:

ClinVar aggregate classification (germline): Uncertain significance (1 of 4 stars; one submission).

Allele frequency attached by ClinVar (database versions not stated): gnomAD exomes below 0.00001.
gnomAD v4.1: 1 of 1,614,088 alleles (0.000062%); highest among the groups gnomAD compares: Non-Finnish European, 0.000085%; no homozygotes.

Submission:

Labcorp Genetics (formerly Invitae), Labcorp
Classification: Uncertain significance. Last evaluated: 2025-12-01. Review status: criteria provided, single submitter. Criteria: Invitae Variant Classification Sherloc (09022015). Collection method: clinical testing. Allele origin: germline.
Comment: This sequence change replaces proline, which is neutral and non-polar, with arginine, which is basic and polar, at codon 1928 of the CELSR2 protein (p.Pro1928Arg). This variant is not present in population databases (gnomAD no frequency). This variant has not been reported in the literature in individuals affected with CELSR2-related conditions. ClinVar contains an entry for this variant (Variation ID: 2053425). Invitae Evidence Modeling of protein sequence and biophysical properties (such as structural, functional, and spatial information, amino acid conservation, physicochemical variation, residue mobility, and thermodynamic stability) has been performed for this missense variant. However, the output from this modeling did not meet the statistical confidence thresholds required to predict the impact of this variant on CELSR2 protein function. In summary, the available evidence is currently insufficient to determine the role of this variant in disease. Therefore, it has been classified as a Variant of Uncertain Significance.

NM_001408.3(CELSR2):c.5783C>G (p.Pro1928Arg)

Gene: CELSR2 (cadherin EGF LAG seven-pass G-type receptor 2; plus strand). Cytogenetic location: 1p13.3.
Variant type: single nucleotide variant.
Coding change: c.5783C>G on transcript NM_001408.3 (MANE Select); coding-DNA position 5783, C replaced by G.
Protein change: p.Pro1928Arg; replaces proline 1928 with arginine.
Molecular consequence: missense variant.
Genome position (GRCh38, 1-based): chr1:109,265,790, C>G. VCF-style: chr1-109265790-C-G. GRCh37 (hg19) VCF-style: chr1-109808412-C-G.
Other names: short protein forms P1928R.
Identifiers: ClinVar variation 2053425 (VCV002053425.4), dbSNP rs2526473880, ClinGen allele CA341503835.
Genomic context (GRCh38, chr1:109,265,790, plus strand): 5'-CTCAGGAGAACCACTACCGGCCCCCAGGCAGCCCCACCTGCCTCTTGTGTGACTGCTACC[C>G]CACAGGCTCCTTGTCCAGAGTCTGTGACCCTGAGGATGGCCAGTGTCCATGCAAGCCAGG-3'
Protein context (NP_001399.1, residues 1918-1938): SPTCLLCDCY[Pro1928Arg]TGSLSRVCDP